The following is an entry in ClinVar:

NM_001903.5(CTNNA1):c.1662C>T (p.His554=)

Gene: CTNNA1 (catenin alpha 1; plus strand). Cytogenetic location: 5q31.2.
Variant type: single nucleotide variant.
Coding change: c.1662C>T on transcript NM_001903.5 (MANE Select); coding-DNA position 1662, C replaced by T.
Protein change: p.His554=; no amino-acid change (histidine 554 retained).
Molecular consequence: synonymous variant.
Genome position (GRCh38, 1-based): chr5:138,924,625, C>T. VCF-style: chr5-138924625-C-T. GRCh37 (hg19) VCF-style: chr5-138260314-C-T.
Other names: c.1662C>T, p.His554= (NM_001290307.3, NM_001323982.2, NM_001323983.1 and 2 more transcripts); c.1353C>T, p.His451= (NM_001290309.3); c.1293C>T, p.His431= (NM_001290310.3); c.552C>T, p.His184= (NM_001290312.1, NM_001323987.1, NM_001323988.1 and 17 more transcripts); c.1569C>T, p.His523= (NM_001323986.2); c.213C>T, p.His71= (NM_001324006.1, NM_001324007.1, NM_001324008.1 and 2 more transcripts); c.459C>T, p.His153= (NM_001324011.1); c.309C>T, p.His103= (NM_001324012.1, NM_001324013.1); and 1 more.
Identifiers: ClinVar variation 1092697 (VCV001092697.14), dbSNP rs146151753, ClinGen allele CA3432003.

ClinVar aggregate classification (germline): Benign/Likely benign. Review status: criteria provided, multiple submitters, no conflicts (2 of 4 stars). 5 submissions from 5 submitters: Benign (1); Likely benign (4). Last evaluated 2025-12-22.

Conditions:
Hereditary diffuse gastric adenocarcinoma (HDGC). Also called: DIFFUSE GASTRIC AND LOBULAR BREAST CANCER SYNDROME. Identifiers: Orphanet 26106, MedGen C1708349, MONDO:0007648, OMIM 137215.
CTNNA1-related disorder. Also called: CTNNA1-related condition.
Hereditary cancer-predisposing syndrome. Also called: Tumor predisposition; Hereditary neoplastic syndrome; Neoplastic Syndromes, Hereditary; Hereditary Cancer Syndrome. Identifiers: Orphanet 140162, MedGen C0027672, MeSH D009386, MONDO:0015356.

Allele frequency attached by ClinVar (database versions not stated): gnomAD exomes 0.00001 and 0.00002; ExAC 0.00003; gnomAD 0.00007; TOPMed 0.00010; ESP Exome Variant Server 0.00015.
gnomAD v4.1: 27 of 1,613,480 alleles (0.0017%); highest among the groups gnomAD compares: African/African-American, 0.013%; no homozygotes.

Submissions (5):

Labcorp Genetics (formerly Invitae), Labcorp
Classification: Likely benign. Last evaluated: 2025-12-22. Review status: criteria provided, single submitter. Criteria: Invitae Variant Classification Sherloc (09022015). Collection method: clinical testing. Allele origin: germline.

PreventionGenetics, part of Exact Sciences
Classification: Likely benign for CTNNA1-related condition. Last evaluated: 2025-10-04. Review status: criteria provided, single submitter. Criteria: ACMG Guidelines, 2015. Collection method: clinical testing. Allele origin: germline.
Comment: This variant is classified as likely benign based on ACMG/AMP sequence variant interpretation guidelines (Richards et al. 2015 PMID: 25741868, with internal and published modifications).

Blueprint Genetics
Classification: Likely benign. Last evaluated: 2024-10-31. Review status: criteria provided, single submitter. Criteria: ACMG Guidelines, 2015. Collection method: clinical testing. Allele origin: germline.

Myriad Genetics, Inc.
Classification: Benign for Hereditary diffuse gastric adenocarcinoma. Last evaluated: 2024-10-11. Review status: criteria provided, single submitter. Criteria: Myriad Autosomal Dominant, Autosomal Recessive and X-Linked Classification Criteria (2023). Collection method: clinical testing. Allele origin: unknown.
Comment: This variant is considered benign. This variant is a silent/synonymous amino acid change and it is not expected to impact splicing.

Ambry Genetics
Classification: Likely benign for Hereditary cancer-predisposing syndrome. Last evaluated: 2021-06-04. Review status: criteria provided, single submitter. Criteria: Ambry Variant Classification Scheme 2023. Collection method: clinical testing. Allele origin: germline.